The following is an entry in ClinVar:

ClinVar aggregate classification (germline): Uncertain significance. Review status: criteria provided, multiple submitters, no conflicts (2 of 4 stars). 2 submissions from 2 submitters: Uncertain significance (2). Last evaluated 2022-12-05.

Conditions:
Inborn genetic diseases. Identifiers: MedGen C0950123, MeSH D030342.

Allele frequency attached by ClinVar (database versions not stated): ESP Exome Variant Server 0.00008; TOPMed 0.00001; ExAC 0.00004; gnomAD exomes 0.00001.
gnomAD v4.1: 16 of 1,556,096 alleles (0.001%); highest among the groups gnomAD compares: East Asian, 0.0024%; no homozygotes.

Submissions (2):

Ambry Genetics
Classification: Uncertain significance for Inborn genetic diseases. Last evaluated: 2022-12-05. Review status: criteria provided, single submitter. Criteria: Ambry Variant Classification Scheme 2023. Collection method: clinical testing. Allele origin: germline.

Labcorp Genetics (formerly Invitae), Labcorp
Classification: Uncertain significance. Last evaluated: 2021-09-14. Review status: criteria provided, single submitter. Criteria: Invitae Variant Classification Sherloc (09022015). Collection method: clinical testing. Allele origin: germline.
Comment: This sequence change replaces alanine with valine at codon 646 of the PLOD3 protein (p.Ala646Val). The alanine residue is weakly conserved and there is a small physicochemical difference between alanine and valine. This variant is present in population databases (rs368456141, ExAC 0.01%). This variant has not been reported in the literature in individuals affected with PLOD3-related conditions. Algorithms developed to predict the effect of missense changes on protein structure and function (SIFT, PolyPhen-2, Align-GVGD) all suggest that this variant is likely to be tolerated. Algorithms developed to predict the effect of sequence changes on RNA splicing suggest that this variant may create or strengthen a splice site. In summary, the available evidence is currently insufficient to determine the role of this variant in disease. Therefore, it has been classified as a Variant of Uncertain Significance.

NM_001084.5(PLOD3):c.1937C>T (p.Ala646Val)

Gene: PLOD3 (procollagen-lysine,2-oxoglutarate 5-dioxygenase 3; minus strand). Cytogenetic location: 7q22.1.
Variant type: single nucleotide variant.
Coding change: c.1937C>T on transcript NM_001084.5 (MANE Select); coding-DNA position 1937, C replaced by T.
Protein change: p.Ala646Val; replaces alanine 646 with valine.
Molecular consequence: missense variant.
Genome position (GRCh38, 1-based): chr7:101,206,903, G>A on the plus strand (C>T on the coding strand, the complement: PLOD3 is on the minus strand). VCF-style: chr7-101206903-G-A. GRCh37 (hg19) VCF-style: chr7-100850184-G-A.
Other names: c.1937C>T (NM_001084.4); short protein forms A646V.
Identifiers: ClinVar variation 1507395 (VCV001507395.4), dbSNP rs368456141, ClinGen allele CA4407447.